The following is an entry in ClinVar:

ClinVar aggregate classification (germline): Likely benign (0 of 4 stars; one submission).

Conditions:
RAD51B-related disorder. Also called: RAD51B-related condition.

Submission:

PreventionGenetics, part of Exact Sciences
Classification: Likely benign for RAD51B-related condition. Last evaluated: 2019-09-17. Review status: no assertion criteria provided. Collection method: clinical testing. Allele origin: germline.
Comment: This variant is classified as likely benign based on ACMG/AMP sequence variant interpretation guidelines (Richards et al. 2015 PMID: 25741868, with internal and published modifications).

NM_133510.4(RAD51B):c.316-16_316-3del

Gene: RAD51B (RAD51 paralog B; plus strand). Cytogenetic location: 14q24.1.
Variant type: Deletion.
Coding change: c.316-16_316-3del on transcript NM_133510.4 (MANE Select); 16 bases into the intron before coding-DNA position 316 through 3 bases into the intron before coding-DNA position 316, 14 bases deleted (TTTTTTTTTTTTTT).
Molecular consequence: intron variant.
Genome position (GRCh38, 1-based): chr14:67,864,987-67,865,000, TTTTTTTTTTTTTT deleted; deleting any 14 consecutive bases within chr14:67,864,962-67,865,000 gives the same sequence; the c. name uses the placement nearest the transcript's 3' end. VCF-style (leftmost placement, unchanged base first): chr14-67864961-CTTTTTTTTTTTTTT-C. GRCh37 (hg19) VCF-style: chr14-68331678-CTTTTTTTTTTTTTT-C.
Other names: c.316-16_316-3del (NM_001321818.2, NM_001321809.2, NM_001321821.2 and 6 more transcripts); c.-42-16_-42-3del (NM_001321817.2); c.202-16_202-3del (NM_001321815.1).
Identifiers: ClinVar variation 3040588 (VCV003040588.2), dbSNP rs745505141, ClinGen allele CA707973663.
Genomic context (GRCh38, chr14:67,864,961, plus strand): 5'-TATATGGCAAAGTCTTAAAAGGATTTTGCTTTGACTGGCTTGTGATGTTTATCTAAAAAA[CTTTTTTTTTTTTTT>C]TTTTTTTTTTTTTTTTTTTTTTTTTAGATTACAGGTCCACCAGGTTGTGGAAAAACTCAG-3'